The following is an entry in ClinVar:

ClinVar aggregate classification (germline): Uncertain significance. Review status: criteria provided, multiple submitters, no conflicts (2 of 4 stars). 2 submissions from 2 submitters: Uncertain significance (2). Last evaluated 2023-06-27.

Conditions:
Cardiovascular phenotype. Identifiers: MedGen CN230736.
Hereditary cancer-predisposing syndrome. Also called: Neoplastic Syndromes, Hereditary; Tumor predisposition; Hereditary Cancer Syndrome; Hereditary neoplastic syndrome. Identifiers: Orphanet 140162, MedGen C0027672, MeSH D009386, MONDO:0015356.

Submissions (2):

Ambry Genetics
Classification: Uncertain significance for Cardiovascular phenotype; Hereditary cancer-predisposing syndrome. Last evaluated: 2023-06-27. Review status: criteria provided, single submitter. Criteria: Ambry Variant Classification Scheme 2023. Collection method: clinical testing. Allele origin: germline.
Comment: The p.V2085A variant (also known as c.6254T>C), located in coding exon 41 of the NF1 gene, results from a T to C substitution at nucleotide position 6254. The valine at codon 2085 is replaced by alanine, an amino acid with similar properties. This amino acid position is highly conserved in available vertebrate species. In addition, the in silico prediction for this alteration is inconclusive. Since supporting evidence is limited at this time, the clinical significance of this alteration remains unclear.

Blueprint Genetics
Classification: Uncertain significance. Last evaluated: 2019-06-24. Review status: criteria provided, single submitter. Criteria: ACMG Guidelines, 2015. Collection method: clinical testing. Allele origin: germline.

NM_001042492.3(NF1):c.6317T>C (p.Val2106Ala)

Gene: NF1 (neurofibromin 1; plus strand). Cytogenetic location: 17q11.2.
Variant type: single nucleotide variant.
Coding change: c.6317T>C on transcript NM_001042492.3 (MANE Select); coding-DNA position 6317, T replaced by C.
Protein change: p.Val2106Ala; replaces valine 2106 with alanine.
Molecular consequence: missense variant.
Genome position (GRCh38, 1-based): chr17:31,336,804, T>C. VCF-style: chr17-31336804-T-C. GRCh37 (hg19) VCF-style: chr17-29663822-T-C.
Other names: c.6254T>C, p.Val2085Ala (NM_000267.4); short protein forms V2085A, V2106A.
Identifiers: ClinVar variation 826273 (VCV000826273.5), dbSNP rs1597843007, ClinGen allele CA399012694.